The following is an entry in ClinVar:

ClinVar aggregate classification (germline): Uncertain significance (1 of 4 stars; one submission).

gnomAD v4.1: 1 of 1,613,912 alleles (0.000062%); highest among the groups gnomAD compares: Non-Finnish European, 0.000085%; no homozygotes.

Submission:

Labcorp Genetics (formerly Invitae), Labcorp
Classification: Uncertain significance. Last evaluated: 2024-08-28. Review status: criteria provided, single submitter. Criteria: Invitae Variant Classification Sherloc (09022015). Collection method: clinical testing. Allele origin: germline.
Comment: This sequence change replaces arginine, which is basic and polar, with leucine, which is neutral and non-polar, at codon 56 of the SLC12A6 protein (p.Arg56Leu). This variant is not present in population databases (gnomAD no frequency). This variant has not been reported in the literature in individuals affected with SLC12A6-related conditions. An algorithm developed to predict the effect of missense changes on protein structure and function (PolyPhen-2) suggests that this variant is likely to be disruptive. In summary, the available evidence is currently insufficient to determine the role of this variant in disease. Therefore, it has been classified as a Variant of Uncertain Significance.

NM_001365088.1(SLC12A6):c.167G>T (p.Arg56Leu)

Gene: SLC12A6 (solute carrier family 12 member 6; minus strand). Cytogenetic location: 15q14.
Variant type: single nucleotide variant.
Coding change: c.167G>T on transcript NM_001365088.1 (MANE Select); coding-DNA position 167, G replaced by T.
Protein change: p.Arg56Leu; replaces arginine 56 with leucine.
Molecular consequence: missense variant. On other transcripts: 5 prime UTR variant (2).
Genome position (GRCh38, 1-based): chr15:34,336,514, C>A on the plus strand (G>T on the coding strand, the complement: SLC12A6 is on the minus strand). VCF-style: chr15-34336514-C-A. GRCh37 (hg19) VCF-style: chr15-34628715-C-A.
Other names: c.-11G>T (NM_001042494.2, NM_001042495.2); c.140G>T, p.Arg47Leu (NM_001042496.2); c.167G>T, p.Arg56Leu (NM_001042497.2, NM_133647.2); short protein forms R47L, R56L.
Identifiers: ClinVar variation 3611520 (VCV003611520.2).